The following is an entry in ClinVar:

ClinVar aggregate classification (germline): Uncertain significance. Review status: criteria provided, multiple submitters, no conflicts (2 of 4 stars). 2 submissions from 2 submitters: Uncertain significance (2). Last evaluated 2022-02-03.

Conditions:
Rafiq syndrome (RAFQS). Identifiers: Orphanet 88616, MedGen C3280127, MONDO:0013624, OMIM 614202.

Allele frequency attached by ClinVar (database versions not stated): ExAC 0.00003; gnomAD 0.00003; gnomAD exomes 0.00003; TOPMed 0.00006; ESP Exome Variant Server 0.00008.
gnomAD v4.1: 51 of 1,609,516 alleles (0.0032%); highest among the groups gnomAD compares: Admixed American, 0.01%; 2 homozygotes.

Submissions (2):

Labcorp Genetics (formerly Invitae), Labcorp
Classification: Uncertain significance for Rafiq syndrome. Last evaluated: 2022-02-03. Review status: criteria provided, single submitter. Criteria: Invitae Variant Classification Sherloc (09022015). Collection method: clinical testing. Allele origin: germline.
Comment: In summary, the available evidence is currently insufficient to determine the role of this variant in disease. Therefore, it has been classified as a Variant of Uncertain Significance. Algorithms developed to predict the effect of sequence changes on RNA splicing suggest that this variant may create or strengthen a splice site. Algorithms developed to predict the effect of missense changes on protein structure and function are either unavailable or do not agree on the potential impact of this missense change (SIFT: "Tolerated"; PolyPhen-2: "Possibly Damaging"; Align-GVGD: "Class C0"). ClinVar contains an entry for this variant (Variation ID: 1033810). This variant has not been reported in the literature in individuals affected with MAN1B1-related conditions. This variant is present in population databases (rs368503703, gnomAD 0.009%), including at least one homozygous and/or hemizygous individual. This sequence change replaces arginine, which is basic and polar, with glutamine, which is neutral and polar, at codon 632 of the MAN1B1 protein (p.Arg632Gln).

Baylor Genetics
Classification: Uncertain significance for Rafiq syndrome. Last evaluated: 2018-04-10. Review status: criteria provided, single submitter. Criteria: ACMG Guidelines, 2015. Collection method: clinical testing. Allele origin: unknown. Affected: yes.
Comment: This variant was determined to be of uncertain significance according to ACMG Guidelines, 2015 [PMID:25741868].

NM_016219.5(MAN1B1):c.1895G>A (p.Arg632Gln)

Gene: MAN1B1 (mannosidase alpha class 1B member 1; plus strand). Cytogenetic location: 9q34.3.
Variant type: single nucleotide variant.
Coding change: c.1895G>A on transcript NM_016219.5 (MANE Select); coding-DNA position 1895, G replaced by A.
Protein change: p.Arg632Gln; replaces arginine 632 with glutamine.
Molecular consequence: missense variant. On other transcripts: non-coding transcript variant (2).
Genome position (GRCh38, 1-based): chr9:137,107,661, G>A. VCF-style: chr9-137107661-G-A. GRCh37 (hg19) VCF-style: chr9-140002113-G-A.
Other names: short protein forms R632Q.
Identifiers: ClinVar variation 1033810 (VCV001033810.9), dbSNP rs368503703, ClinGen allele CA5359420.
Genomic context (GRCh38, chr9:137,107,661, plus strand): 5'-GGGACCGCAAATACCAGGACTGGGGCTGGGAGATTCTGCAGAGCTTCAGCCGATTCACAC[G>A]GGTGAGCACCTGTCCTCGCCCCGCGTGGTCACGGCCACCGGGCCACAGGCACGGCTGGGC-3'
Protein context (NP_057303.2, residues 622-642): EILQSFSRFT[Arg632Gln]VPSGGYSSIN